The following is an entry in ClinVar:

NM_001122752.2(SERPINI1):c.336G>C (p.Leu112Phe)

Gene: SERPINI1 (serpin family I member 1; plus strand). Cytogenetic location: 3q26.1.
Variant type: single nucleotide variant.
Coding change: c.336G>C on transcript NM_001122752.2 (MANE Select); coding-DNA position 336, G replaced by C.
Protein change: p.Leu112Phe; replaces leucine 112 with phenylalanine.
Molecular consequence: missense variant.
Genome position (GRCh38, 1-based): chr3:167,790,457, G>C. VCF-style: chr3-167790457-G-C. GRCh37 (hg19) VCF-style: chr3-167508245-G-C.
Other names: c.336G>C, p.Leu112Phe (NM_005025.5); short protein forms L112F.
Identifiers: ClinVar variation 1394269 (VCV001394269.8), dbSNP rs2108557115, ClinGen allele CA355156073.

ClinVar aggregate classification (germline): Uncertain significance (1 of 4 stars; one submission).

Conditions:
Familial encephalopathy with neuroserpin inclusion bodies. Also called: ENCEPHALOPATHY, FAMILIAL, WITH COLLINS BODIES. Identifiers: Orphanet 85110, MedGen C1858680, MONDO:0011412, OMIM 604218.

Submission:

Labcorp Genetics (formerly Invitae), Labcorp
Classification: Uncertain significance for Familial encephalopathy with neuroserpin inclusion bodies. Last evaluated: 2025-09-02. Review status: criteria provided, single submitter. Criteria: Invitae Variant Classification Sherloc (09022015). Collection method: clinical testing. Allele origin: germline.
Comment: This sequence change replaces leucine, which is neutral and non-polar, with phenylalanine, which is neutral and non-polar, at codon 112 of the SERPINI1 protein (p.Leu112Phe). This variant is not present in population databases (gnomAD no frequency). This variant has not been reported in the literature in individuals affected with SERPINI1-related conditions. ClinVar contains an entry for this variant (Variation ID: 1394269). Invitae Evidence Modeling of protein sequence and biophysical properties (such as structural, functional, and spatial information, amino acid conservation, physicochemical variation, residue mobility, and thermodynamic stability) has been performed for this missense variant. However, the output from this modeling did not meet the statistical confidence thresholds required to predict the impact of this variant on SERPINI1 protein function. In summary, the available evidence is currently insufficient to determine the role of this variant in disease. Therefore, it has been classified as a Variant of Uncertain Significance.